The following is an entry in ClinVar:

ClinVar aggregate classification (germline): Likely benign (1 of 4 stars; one submission).

gnomAD v4.1: 55 of 1,613,892 alleles (0.0034%); highest among the groups gnomAD compares: African/African-American, 0.044%; no homozygotes.

Submission:

CeGaT Center for Human Genetics Tuebingen
Classification: Likely benign. Last evaluated: 2025-03-01. Review status: criteria provided, single submitter. Criteria: CeGaT Center For Human Genetics Tuebingen Variant Classification Criteria Version 2. Collection method: clinical testing. Allele origin: germline. Affected: yes. Observed: 1 variant allele.
Comment: MRPS22: BP4, BP7

NM_020191.4(MRPS22):c.519C>T (p.Val173=)

Gene: MRPS22 (mitochondrial ribosomal protein S22; plus strand). Cytogenetic location: 3q23.
Variant type: single nucleotide variant.
Coding change: c.519C>T on transcript NM_020191.4 (MANE Select); coding-DNA position 519, C replaced by T.
Protein change: p.Val173=; no amino-acid change (valine 173 retained).
Molecular consequence: synonymous variant.
Genome position (GRCh38, 1-based): chr3:139,350,193, C>T. VCF-style: chr3-139350193-C-T. GRCh37 (hg19) VCF-style: chr3-139069035-C-T.
Other names: c.396C>T, p.Val132= (NM_001363857.1); c.516C>T, p.Val172= (NM_001363893.1).
Identifiers: ClinVar variation 3778488 (VCV003778488.7).